The following is an entry in ClinVar:

ClinVar aggregate classification (germline): Conflicting classifications of pathogenicity. Review status: criteria provided, conflicting classifications (1 of 4 stars). 11 submissions from 11 submitters: Pathogenic (1); Likely pathogenic (1); Uncertain significance (6). 3 of the submissions do not count toward it. Last evaluated 2026-01-14.

Conditions:
Myosclerosis. Also called: Myosclerosis, congenital; MYOPATHY, MYOSCLEROTIC; MYOSCLEROSIS, CONGENITAL, OF LOWENTHAL. Identifiers: Orphanet 289380, MedGen C1850671, MONDO:0009714, OMIM 255600.
Ullrich congenital muscular dystrophy 1B (UCMD1B). Identifiers: MedGen C5935582, MONDO:0958235, OMIM 620727.
Bethlem myopathy 1B (BTHLM1B). Identifiers: MedGen C5935580, MONDO:0958233, OMIM 620725.
Inborn genetic diseases. Identifiers: MedGen C0950123, MeSH D030342.
Bethlem myopathy 1A. Also called: Bethlem Muscular Dystrophy; MYOPATHY, BENIGN CONGENITAL, WITH CONTRACTURES; Bethlem myopathy 1. Identifiers: Orphanet 610, MedGen CN029274, MONDO:0024530, OMIM 158810.
Ullrich congenital muscular dystrophy 1A. Also called: Intermediate COL6-RD; Ullrich congenital muscular dystrophy 1. Identifiers: Orphanet 75840, MedGen C0410179, MONDO:0009681, OMIM 254090.

Allele frequency attached by ClinVar (database versions not stated): gnomAD exomes below 0.00001; TOPMed below 0.00001; gnomAD 0.00001.
gnomAD v4.1: 4 of 1,612,788 alleles (0.00025%); highest among the groups gnomAD compares: Non-Finnish European, 0.00034%; no homozygotes.

Submissions (11):

GeneDx
Classification: Uncertain significance. Last evaluated: 2026-01-14. Review status: criteria provided, single submitter. Criteria: GeneDx Variant Classification Process June 2021. Collection method: clinical testing. Allele origin: germline.
Comment: Not observed at significant frequency in large population cohorts (gnomAD); In silico analysis supports that this missense variant has a deleterious effect on protein structure/function; This variant is associated with the following publications: (PMID: 33441455, 30564623, 34167565)

Mayo Clinic Laboratories, Mayo Clinic
Classification: Likely pathogenic. Last evaluated: 2025-11-30. Review status: criteria provided, single submitter. Criteria: ACMG Guidelines, 2015. Collection method: clinical testing. Allele origin: germline. Observed: 1 variant allele.
Comment: PP3_strong, PP4, PM2_supporting, PM6_supporting, PS4_moderate

Labcorp Genetics (formerly Invitae), Labcorp
Classification: Pathogenic for Bethlem myopathy 1A. Last evaluated: 2025-08-18. Review status: criteria provided, single submitter. Criteria: Invitae Variant Classification Sherloc (09022015). Collection method: clinical testing. Allele origin: germline.
Comment: This sequence change replaces glycine, which is neutral and non-polar, with arginine, which is basic and polar, at codon 733 of the COL6A2 protein (p.Gly733Arg). This variant is not present in population databases (gnomAD no frequency). This missense change has been observed in individual(s) with autosomal dominant COL6A2-related conditions (PMID: 30564623, 34167565). In at least one individual the variant was observed to be de novo. ClinVar contains an entry for this variant (Variation ID: 284693). Invitae Evidence Modeling of protein sequence and biophysical properties (such as structural, functional, and spatial information, amino acid conservation, physicochemical variation, residue mobility, and thermodynamic stability) indicates that this missense variant is expected to disrupt COL6A2 protein function with a positive predictive value of 80%. For these reasons, this variant has been classified as Pathogenic.

Revvity Omics, Revvity
Classification: Uncertain significance. Last evaluated: 2023-01-05. Review status: criteria provided, single submitter. Criteria: ACMG Guidelines, 2015. Collection method: clinical testing. Allele origin: germline.

CeGaT Center for Human Genetics Tuebingen
Classification: Uncertain significance. Last evaluated: 2021-06-01. Review status: criteria provided, single submitter. Criteria: CeGaT Center For Human Genetics Tuebingen Variant Classification Criteria Version 2. Collection method: clinical testing. Allele origin: germline. Affected: yes. Observed: 1 variant allele.

Ambry Genetics
Classification: Uncertain significance for Inborn genetic diseases. Last evaluated: 2019-01-04. Review status: criteria provided, single submitter. Criteria: Ambry exome assertion method (8-5-2015). Collection method: clinical testing. Allele origin: germline. Affected: yes. Observed: 1 variant allele.

Eurofins Ntd Llc (ga)
Classification: Uncertain significance. Last evaluated: 2018-01-19. Review status: criteria provided, single submitter. Criteria: EGL Classification Definitions 2015. Collection method: clinical testing. Allele origin: germline. Observed: 3 variant alleles, 3 heterozygotes.

Juno Genomics, Hangzhou Juno Genomics, Inc
Classification: Uncertain significance for Bethlem myopathy 1B; Ullrich congenital muscular dystrophy 1B; Myosclerosis. Review status: criteria provided, single submitter. Criteria: ACMG Guidelines, 2015. Collection method: clinical testing. Allele origin: germline.
Comment: Absent from controls (or at extremely low frequency if recessive) in Genome Aggregation Database.;Multiple lines of computational evidence support a deleterious effect on the gene or gene product.;The prevalence of the variant in affected individuals is significantly increased compared to the prevalence in controls.;Assumed de novo, but without confirmation of paternity and maternity.

Division of Human Genetics, Children's Hospital of Philadelphia
Classification: Uncertain significance for Ullrich congenital muscular dystrophy 1A; Myosclerosis; Bethlem myopathy 1A. Last evaluated: 2015-06-20. Review status: no assertion criteria provided. Collection method: research. Allele origin: paternal. Affected: yes. Study: CSER-PediSeq. Not counted in ClinVar's aggregate classification.

Genome Diagnostics Laboratory, Amsterdam University Medical Center
Classification: Uncertain significance. Review status: no assertion criteria provided. Collection method: clinical testing. Allele origin: germline. Affected: yes. Study: VKGL Data-share Consensus. Not counted in ClinVar's aggregate classification.

Joint Genome Diagnostic Labs from Nijmegen and Maastricht, Radboudumc and MUMC+
Classification: Uncertain significance. Review status: no assertion criteria provided. Collection method: clinical testing. Allele origin: germline. Affected: yes. Study: VKGL Data-share Consensus. Not counted in ClinVar's aggregate classification.

Literature cited by the submitters: PubMed 27104957 (cited by Mayo Clinic Laboratories, Mayo Clinic); PubMed 30564623 (cited by Mayo Clinic Laboratories, Mayo Clinic and Labcorp Genetics (formerly Invitae), Labcorp); PubMed 33441455 (cited by Mayo Clinic Laboratories, Mayo Clinic); PubMed 34167565 (cited by Mayo Clinic Laboratories, Mayo Clinic and Labcorp Genetics (formerly Invitae), Labcorp); PubMed 17886299 (cited by Ambry Genetics); PubMed 15563506 (cited by Ambry Genetics).

NM_001849.4(COL6A2):c.2197G>A (p.Gly733Arg)

Gene: COL6A2 (collagen type VI alpha 2 chain; plus strand). Cytogenetic location: 21q22.3.
Variant type: single nucleotide variant.
Coding change: c.2197G>A on transcript NM_001849.4 (MANE Select); coding-DNA position 2197, G replaced by A.
Protein change: p.Gly733Arg; replaces glycine 733 with arginine.
Molecular consequence: missense variant.
Genome position (GRCh38, 1-based): chr21:46,126,012, G>A. VCF-style: chr21-46126012-G-A. GRCh37 (hg19) VCF-style: chr21-47545926-G-A.
Other names: p.Gly733Arg; c.2197G>A, p.Gly733Arg (NM_058174.3, NM_058175.3); short protein forms G733R.
Identifiers: ClinVar variation 284693 (VCV000284693.57), dbSNP rs886042922, ClinGen allele CA10604873.